The following is an entry in ClinVar:

NM_001166114.2(PNPLA6):c.2176T>C (p.Tyr726His)

Gene: PNPLA6 (patatin like domain 6, lysophospholipase; plus strand). Cytogenetic location: 19p13.2.
Variant type: single nucleotide variant.
Coding change: c.2176T>C on transcript NM_001166114.2 (MANE Select); coding-DNA position 2176, T replaced by C.
Protein change: p.Tyr726His; replaces tyrosine 726 with histidine.
Molecular consequence: missense variant.
Genome position (GRCh38, 1-based): chr19:7,551,099, T>C. VCF-style: chr19-7551099-T-C. GRCh37 (hg19) VCF-style: chr19-7615985-T-C.
Other names: c.2203T>C, p.Tyr735His (NM_001166111.2); c.1981T>C, p.Tyr661His (NM_001166112.2); c.2059T>C, p.Tyr687His (NM_001166113.1, NM_006702.5); short protein forms Y726H, Y735H, Y661H, Y687H.
Identifiers: ClinVar variation 2158778 (VCV002158778.4), dbSNP rs2512537272, ClinGen allele CA403124809.

ClinVar aggregate classification (germline): Uncertain significance (1 of 4 stars; one submission).

Conditions:
Hereditary spastic paraplegia 39 (SPG39). Also called: Spastic Paraplegia Type 39 (SPG39); SPASTIC PARAPLEGIA 39, AUTOSOMAL RECESSIVE. Identifiers: Orphanet 139480, MedGen C2677586, MONDO:0012787, OMIM 612020.

Allele frequency attached by ClinVar (database versions not stated): gnomAD exomes below 0.00001.

Submission:

Labcorp Genetics (formerly Invitae), Labcorp
Classification: Uncertain significance for Hereditary spastic paraplegia 39. Last evaluated: 2022-05-18. Review status: criteria provided, single submitter. Criteria: Invitae Variant Classification Sherloc (09022015). Collection method: clinical testing. Allele origin: germline.
Comment: This sequence change replaces tyrosine, which is neutral and polar, with histidine, which is basic and polar, at codon 687 of the PNPLA6 protein (p.Tyr687His). In summary, the available evidence is currently insufficient to determine the role of this variant in disease. Therefore, it has been classified as a Variant of Uncertain Significance. Algorithms developed to predict the effect of sequence changes on RNA splicing suggest that this variant may disrupt the consensus splice site. Algorithms developed to predict the effect of missense changes on protein structure and function are either unavailable or do not agree on the potential impact of this missense change (SIFT: "Tolerated"; PolyPhen-2: "Probably Damaging"; Align-GVGD: "Class C0"). This variant has not been reported in the literature in individuals affected with PNPLA6-related conditions. This variant is not present in population databases (gnomAD no frequency).